The following is an entry in ClinVar:

ClinVar aggregate classification (germline): Conflicting classifications of pathogenicity. Review status: criteria provided, conflicting classifications (1 of 4 stars). 2 submissions from 2 submitters: Uncertain significance (1); Likely benign (1). Last evaluated 2023-03-30.

Conditions:
Brugada syndrome. Also called: Sudden unexpected nocturnal death syndrome; Sudden Unexplained Death Syndrome; Sudden Unexplained Nocturnal Death Syndrome (SUNDS); Sudden unexplained nocturnal death syndrome. Identifiers: Orphanet 130, MedGen C1142166, MONDO:0015263.

Allele frequency attached by ClinVar (database versions not stated): ExAC 0.00001; gnomAD 0.00001; TOPMed 0.00001.

Submissions (2):

Labcorp Genetics (formerly Invitae), Labcorp
Classification: Uncertain significance for Brugada syndrome. Last evaluated: 2023-03-30. Review status: criteria provided, single submitter. Criteria: Invitae Variant Classification Sherloc (09022015). Collection method: clinical testing. Allele origin: germline.
Comment: ClinVar contains an entry for this variant (Variation ID: 1735829). In summary, the available evidence is currently insufficient to determine the role of this variant in disease. Therefore, it has been classified as a Variant of Uncertain Significance. Algorithms developed to predict the effect of sequence changes on RNA splicing suggest that this variant may disrupt the consensus splice site. This variant has not been reported in the literature in individuals affected with SLMAP-related conditions. This variant is present in population databases (rs777858277, gnomAD 0.003%). This sequence change affects codon 386 of the SLMAP mRNA. It is a 'silent' change, meaning that it does not change the encoded amino acid sequence of the SLMAP protein.

Ambry Genetics
Classification: Likely benign. Last evaluated: 2019-06-03. Review status: criteria provided, single submitter. Criteria: Ambry Variant Classification Scheme 2023. Collection method: clinical testing. Allele origin: germline.

NM_001377540.1(SLMAP):c.1260C>T (p.Gly420=)

Gene: SLMAP (sarcolemma associated protein; plus strand). Cytogenetic location: 3p14.3.
Variant type: single nucleotide variant.
Coding change: c.1260C>T on transcript NM_001377540.1 (MANE Select); coding-DNA position 1260, C replaced by T.
Protein change: p.Gly420=; no amino-acid change (glycine 420 retained).
Molecular consequence: synonymous variant. On other transcripts: non-coding transcript variant (1), intron variant (9).
Genome position (GRCh38, 1-based): chr3:57,871,658, C>T. VCF-style: chr3-57871658-C-T. GRCh37 (hg19) VCF-style: chr3-57857385-C-T.
Other names: c.1209C>T, p.Gly403= (NM_001304420.3, NM_001377541.1, NM_001377542.1 and 2 more transcripts); c.1260C>T, p.Gly420= (NM_001377538.1, NM_001377539.1, NM_001377555.1); c.1158C>T, p.Gly386= (NM_001377549.1, NM_001377923.1, NM_007159.5); c.1237+6366C>T (NM_001377545.1, NM_001377922.1); c.1186+6801C>T (NM_001377552.1, NM_001377551.1, NM_001377924.1); c.1135+6942C>T (NM_001377559.1, NM_001377557.1, NM_001377925.1 and 1 more transcripts).
Identifiers: ClinVar variation 1735829 (VCV001735829.7), dbSNP rs777858277, ClinGen allele CA2467065.